The following is an entry in ClinVar:

NM_130760.3(MADCAM1):c.747C>T (p.Pro249=)

Genes: MADCAM1 (mucosal vascular addressin cell adhesion molecule 1; plus strand), MADCAM1-AS1 (MADCAM1 antisense RNA 1; minus strand). Cytogenetic location: 19p13.3.
Variant type: single nucleotide variant.
Coding change: c.747C>T on transcript NM_130760.3 (MANE Select); coding-DNA position 747, C replaced by T.
Protein change: p.Pro249=; no amino-acid change (proline 249 retained).
Molecular consequence: synonymous variant. On other transcripts: intron variant (1).
Genome position (GRCh38, 1-based): chr19:501,748, C>T. VCF-style: chr19-501748-C-T. GRCh37 (hg19) VCF-style: chr19-501748-C-T.
Other names: c.667+2923C>T (NM_130762.3).
Identifiers: ClinVar variation 4872268 (VCV004872268.2).
Genomic context (GRCh38, chr19:501,748, plus strand): 5'-CCCGGAGCCTCCCGACACCACCTCCCCGGAGTCTCCCGACACCACCTCCCCGGAGTCTCC[C>T]GACACCACCTCCCAGGAGCCTCCCGACACCACCTCCCCGGAGCCTCCCGACAAGACCTCC-3'
Protein context (NP_570116.2, residues 239-259): ESPDTTSPES[Pro249=]DTTSQEPPDT

ClinVar aggregate classification (germline): Likely benign (1 of 4 stars; one submission).

gnomAD v4.1: 29 of 1,583,364 alleles (0.0018%); highest among the groups gnomAD compares: African/African-American, 0.011%; no homozygotes.

Submission:

CeGaT Center for Human Genetics Tuebingen
Classification: Likely benign. Last evaluated: 2026-07-01. Review status: criteria provided, single submitter. Criteria: CeGaT Center For Human Genetics Tuebingen Variant Classification Criteria Version 2. Collection method: clinical testing. Allele origin: germline. Affected: yes. Observed: 1 variant allele.
Comment: MADCAM1: BP4, BP7